The following is an entry in ClinVar:

NM_015896.4(ZMYND10):c.701-34C>G

Gene: ZMYND10 (zinc finger MYND-type containing 10; minus strand). Cytogenetic location: 3p21.31.
Variant type: single nucleotide variant.
Coding change: c.701-34C>G on transcript NM_015896.4 (MANE Select); 34 bases into the intron before coding-DNA position 701, C replaced by G.
Molecular consequence: intron variant. On other transcripts: missense variant (1).
Genome position (GRCh38, 1-based): chr3:50,342,603, G>C on the plus strand (C>G on the coding strand, the complement: ZMYND10 is on the minus strand). VCF-style: chr3-50342603-G-C. GRCh37 (hg19) VCF-style: chr3-50380034-G-C.
Other names: c.652C>G, p.Arg218Gly (NM_001308379.2); short protein forms R218G.
Identifiers: ClinVar variation 4997208 (VCV004997208.1).

ClinVar aggregate classification (germline): Uncertain significance (1 of 4 stars; one submission).

Conditions:
ZMYND10-related disorder. Also called: ZMYND10-related condition.

Submission:

PreventionGenetics, part of Exact Sciences
Classification: Uncertain significance for ZMYND10-related condition. Last evaluated: 2024-12-29. Review status: criteria provided, single submitter. Criteria: ACMG Guidelines, 2015. Collection method: clinical testing. Allele origin: germline.
Comment: The ZMYND10 c.652C>G variant is predicted to result in the amino acid substitution p.Arg218Gly. To our knowledge, this variant has not been reported in the literature or in a large population database (gnomAD), indicating this variant is rare. At this time, the clinical significance of this variant is uncertain due to the absence of conclusive functional and genetic evidence.